The following is an entry in ClinVar:

NM_153610.5(CMYA5):c.3687G>C (p.Gln1229His)

Gene: CMYA5 (cardiomyopathy associated 5; plus strand). Cytogenetic location: 5q14.1.
Variant type: single nucleotide variant.
Coding change: c.3687G>C on transcript NM_153610.5 (MANE Select); coding-DNA position 3687, G replaced by C.
Protein change: p.Gln1229His; replaces glutamine 1229 with histidine.
Molecular consequence: missense variant.
Genome position (GRCh38, 1-based): chr5:79,732,452, G>C. VCF-style: chr5-79732452-G-C. GRCh37 (hg19) VCF-style: chr5-79028275-G-C.
Other names: c.3687G>C (NM_153610.3); short protein forms Q1229H.
Identifiers: ClinVar variation 1057074 (VCV001057074.10), dbSNP rs763023926, ClinGen allele CA3321808.
Genomic context (GRCh38, chr5:79,732,452, plus strand): 5'-TGTGCCTGATTCTCAAGAAGCTACAGCACATGTATCACAGGATCAAAAAATGGAGCCTCA[G>C]CCTCCAAATGTTCCAGAGTCTGAGATGAAATATTCAGTTTTGCCTGACATGGTAGATGAG-3'
Protein context (NP_705838.3, residues 1219-1239): HVSQDQKMEP[Gln1229His]PPNVPESEMK

ClinVar aggregate classification (germline): Uncertain significance. Review status: criteria provided, multiple submitters, no conflicts (2 of 4 stars). 2 submissions from 2 submitters: Uncertain significance (2). Last evaluated 2023-12-06.

Allele frequency attached by ClinVar (database versions not stated): gnomAD 0.00001; gnomAD exomes 0.00002; ExAC 0.00003; TOPMed 0.00004.
gnomAD v4.1: 46 of 1,613,242 alleles (0.0029%); highest among the groups gnomAD compares: Non-Finnish European, 0.0037%; no homozygotes.

Submissions (2):

Ambry Genetics
Classification: Uncertain significance. Last evaluated: 2023-12-06. Review status: criteria provided, single submitter. Criteria: Ambry Variant Classification Scheme 2023. Collection method: clinical testing. Allele origin: germline.

Labcorp Genetics (formerly Invitae), Labcorp
Classification: Uncertain significance. Last evaluated: 2017-07-07. Review status: criteria provided, single submitter. Criteria: Invitae Variant Classification Sherloc (09022015). Collection method: clinical testing. Allele origin: germline.
Comment: Algorithms developed to predict the effect of missense changes on protein structure and function output the following: SIFT: "Tolerated"; PolyPhen-2: "Benign"; Align-GVGD: "Class C0". The histidine amino acid residue is found in multiple mammalian species, suggesting that this missense change does not adversely affect protein function. These predictions have not been confirmed by published functional studies and their clinical significance is uncertain. This variant has not been reported in the literature in individuals with CMYA5-related disease. This variant is present in population databases (rs763023926, ExAC 0.01%). This sequence change replaces glutamine with histidine at codon 1229 of the CMYA5 protein (p.Gln1229His). The glutamine residue is moderately conserved and there is a small physicochemical difference between glutamine and histidine. In summary, the available evidence is currently insufficient to determine the role of this variant in disease. Therefore, it has been classified as a Variant of Uncertain Significance.